The following is an entry in ClinVar:

NM_001025356.3(ANO6):c.2489T>A (p.Val830Glu)

Gene: ANO6 (anoctamin 6; plus strand). Cytogenetic location: 12q12.
Variant type: single nucleotide variant.
Coding change: c.2489T>A on transcript NM_001025356.3 (MANE Select); coding-DNA position 2489, T replaced by A.
Protein change: p.Val830Glu; replaces valine 830 with glutamic acid.
Molecular consequence: missense variant.
Genome position (GRCh38, 1-based): chr12:45,423,025, T>A. VCF-style: chr12-45423025-T-A. GRCh37 (hg19) VCF-style: chr12-45816808-T-A.
Other names: c.2435T>A, p.Val812Glu (NM_001142678.2); c.2489T>A, p.Val830Glu (NM_001142679.2); c.2552T>A, p.Val851Glu (NM_001204803.2); c.2456T>A, p.Val819Glu (NM_001410973.1); short protein forms V812E, V830E, V851E, V819E.
Identifiers: ClinVar variation 1945616 (VCV001945616.5), dbSNP rs1442260160, ClinGen allele CA384472257.

ClinVar aggregate classification (germline): Uncertain significance (1 of 4 stars; one submission).

Allele frequency attached by ClinVar (database versions not stated): gnomAD exomes below 0.00001; gnomAD 0.00001; TOPMed 0.00001.
gnomAD v4.1: 4 of 1,614,016 alleles (0.00025%); highest among the groups gnomAD compares: Non-Finnish European, 0.00034%; no homozygotes.

Submission:

Labcorp Genetics (formerly Invitae), Labcorp
Classification: Uncertain significance. Last evaluated: 2022-10-24. Review status: criteria provided, single submitter. Criteria: Invitae Variant Classification Sherloc (09022015). Collection method: clinical testing. Allele origin: germline.
Comment: This variant is not present in population databases (gnomAD no frequency). In summary, the available evidence is currently insufficient to determine the role of this variant in disease. Therefore, it has been classified as a Variant of Uncertain Significance. Advanced modeling of protein sequence and biophysical properties (such as structural, functional, and spatial information, amino acid conservation, physicochemical variation, residue mobility, and thermodynamic stability) performed at Invitae indicates that this missense variant is not expected to disrupt ANO6 protein function. This variant has not been reported in the literature in individuals affected with ANO6-related conditions. This sequence change replaces valine, which is neutral and non-polar, with glutamic acid, which is acidic and polar, at codon 830 of the ANO6 protein (p.Val830Glu).